The following is an entry in ClinVar:

ClinVar aggregate classification (germline): Uncertain significance (1 of 4 stars; one submission).

Submission:

Labcorp Genetics (formerly Invitae), Labcorp
Classification: Uncertain significance. Last evaluated: 2024-07-22. Review status: criteria provided, single submitter. Criteria: Invitae Variant Classification Sherloc (09022015). Collection method: clinical testing. Allele origin: germline.
Comment: This sequence change replaces cysteine, which is neutral and slightly polar, with tyrosine, which is neutral and polar, at codon 2293 of the USP9X protein (p.Cys2293Tyr). This variant is not present in population databases (gnomAD no frequency). This variant has not been reported in the literature in individuals affected with USP9X-related conditions. An algorithm developed to predict the effect of missense changes on protein structure and function (PolyPhen-2) suggests that this variant is likely to be disruptive. In summary, the available evidence is currently insufficient to determine the role of this variant in disease. Therefore, it has been classified as a Variant of Uncertain Significance.

NM_001039591.3(USP9X):c.6878G>A (p.Cys2293Tyr)

Gene: USP9X (ubiquitin specific peptidase 9 X-linked; plus strand). Cytogenetic location: Xp11.4.
Variant type: single nucleotide variant.
Coding change: c.6878G>A on transcript NM_001039591.3 (MANE Select); coding-DNA position 6878, G replaced by A.
Protein change: p.Cys2293Tyr; replaces cysteine 2293 with tyrosine.
Molecular consequence: missense variant.
Genome position (GRCh38, 1-based): chrX:41,224,868, G>A. VCF-style: chrX-41224868-G-A. GRCh37 (hg19) VCF-style: chrX-41084121-G-A.
Other names: c.6878G>A, p.Cys2293Tyr (NM_001039590.3); c.6893G>A, p.Cys2298Tyr (NM_001410748.1, NM_001410749.1); short protein forms C2293Y, C2298Y.
Identifiers: ClinVar variation 2698289 (VCV002698289.3), dbSNP rs2519399798, ClinGen allele CA412750065.